The following is an entry in ClinVar:

ClinVar aggregate classification (germline): Uncertain significance (1 of 4 stars; one submission).

Allele frequency attached by ClinVar (database versions not stated): gnomAD 0.00003 and 0.00004; TOPMed 0.00003; gnomAD exomes 0.00004 and 0.00010; ExAC 0.00012; 1000 Genomes Project 30x 0.00016; 1000 Genomes Project 0.00020.

Submission:

Labcorp Genetics (formerly Invitae), Labcorp
Classification: Uncertain significance. Last evaluated: 2025-10-21. Review status: criteria provided, single submitter. Criteria: Invitae Variant Classification Sherloc (09022015). Collection method: clinical testing. Allele origin: germline.
Comment: This sequence change replaces arginine, which is basic and polar, with glutamine, which is neutral and polar, at codon 818 of the ARHGEF1 protein (p.Arg818Gln). This variant is present in population databases (rs575002752, gnomAD 0.05%). This variant has not been reported in the literature in individuals affected with ARHGEF1-related conditions. ClinVar contains an entry for this variant (Variation ID: 1397599). An algorithm developed to predict the effect of missense changes on protein structure and function outputs the following: PolyPhen-2: "Benign". The glutamine amino acid residue is found in multiple mammalian species, which suggests that this missense change does not adversely affect protein function. In summary, the available evidence is currently insufficient to determine the role of this variant in disease. Therefore, it has been classified as a Variant of Uncertain Significance.

NM_004706.4(ARHGEF1):c.2408G>A (p.Arg803Gln)

Gene: ARHGEF1 (Rho guanine nucleotide exchange factor 1; plus strand). Cytogenetic location: 19q13.2.
Variant type: single nucleotide variant.
Coding change: c.2408G>A on transcript NM_004706.4 (MANE Select); coding-DNA position 2408, G replaced by A.
Protein change: p.Arg803Gln; replaces arginine 803 with glutamine.
Molecular consequence: missense variant.
Genome position (GRCh38, 1-based): chr19:41,905,942, G>A. VCF-style: chr19-41905942-G-A. GRCh37 (hg19) VCF-style: chr19-42410094-G-A.
Other names: c.2309G>A, p.Arg770Gln (NM_198977.2); c.2453G>A, p.Arg818Gln (NM_199002.2); short protein forms R770Q, R803Q, R818Q.
Identifiers: ClinVar variation 1397599 (VCV001397599.7), dbSNP rs575002752, ClinGen allele CA9466724.
Genomic context (GRCh38, chr19:41,905,942, plus strand): 5'-GAGGCATCCACAGGAGGCCCGGCAGGATCTGAGCTCCCTCTCTGTTCCCCAATCCAGCCC[G>A]GACCGAGAGAATCCTCAGTGACCTCCTGCCCTTCTGCAGACCAGGCCCCGAGGGCCAGCT-3'
Protein context (NP_004697.2, residues 793-813): GGRETSPADA[Arg803Gln]TERILSDLLP